The following is an entry in ClinVar:

NM_004453.4(ETFDH):c.175+1del

Gene: ETFDH (electron transfer flavoprotein dehydrogenase; plus strand). Cytogenetic location: 4q32.1.
Variant type: Deletion.
Coding change: c.175+1del on transcript NM_004453.4 (MANE Select); the canonical splice donor site of the intron after coding-DNA position 175, one base deleted (G; older notation c.175+1delG).
Molecular consequence: splice donor variant. On other transcripts: intron variant (1).
Genome position (GRCh38, 1-based): chr4:158,680,608, G deleted; the last of 2 consecutive G bases (chr4:158,680,607-158,680,608); deleting either gives the same sequence. VCF-style (leftmost placement, unchanged base first): chr4-158680606-AG-A. GRCh37 (hg19) VCF-style: chr4-159601758-AG-A.
Other names: c.35-1587del (NM_001281737.2).
Identifiers: ClinVar variation 1298973 (VCV001298973.40), dbSNP rs2150304426, ClinGen allele CA2499217126.

ClinVar aggregate classification (germline): Pathogenic/Likely pathogenic. Review status: criteria provided, multiple submitters, no conflicts (2 of 4 stars). 2 submissions from 2 submitters: Pathogenic (1); Likely pathogenic (1). Last evaluated 2021-08-01.

Conditions:
Multiple acyl-CoA dehydrogenase deficiency (MADD). Also called: ETHYLMALONIC-ADIPICACIDURIA; Glutaric Acidemia type 2; GA II; Glutaric aciduria, type 2; Glutaric acidemia type II; GA 2. Identifiers: Orphanet 26791, MedGen C0268596, MONDO:0009282, OMIM 231680.

Submissions (2):

CeGaT Center for Human Genetics Tuebingen
Classification: Likely pathogenic. Last evaluated: 2021-08-01. Review status: criteria provided, single submitter. Criteria: CeGaT Center For Human Genetics Tuebingen Variant Classification Criteria Version 2. Collection method: clinical testing. Allele origin: germline. Affected: yes. Observed: 1 variant allele.

Labcorp Genetics (formerly Invitae), Labcorp
Classification: Pathogenic for Multiple acyl-CoA dehydrogenase deficiency. Last evaluated: 2021-06-26. Review status: criteria provided, single submitter. Criteria: Invitae Variant Classification Sherloc (09022015). Collection method: clinical testing. Allele origin: germline.
Comment: Algorithms developed to predict the effect of sequence changes on RNA splicing suggest that this variant may disrupt the consensus splice site. This variant is also known as c.175+1del. This variant has not been reported in the literature in individuals affected with ETFDH-related conditions. This variant is not present in population databases (ExAC no frequency). This sequence change creates a premature translational stop signal (p.Gly59Glufs*2) in the ETFDH gene. It is expected to result in an absent or disrupted protein product. Loss-of-function variants in ETFDH are known to be pathogenic (PMID: 16510302, 23785301). For these reasons, this variant has been classified as Pathogenic.

Literature cited by the submitters: PubMed 16510302 (cited by Labcorp Genetics (formerly Invitae), Labcorp); PubMed 23785301 (cited by Labcorp Genetics (formerly Invitae), Labcorp).